The following is an entry in ClinVar:

NM_002295.6(RPSA):c.230T>C (p.Ile77Thr)

Gene: RPSA (ribosomal protein SA; plus strand). Cytogenetic location: 3p22.1.
Variant type: single nucleotide variant.
Coding change: c.230T>C on transcript NM_002295.6 (MANE Select); coding-DNA position 230, T replaced by C.
Protein change: p.Ile77Thr; replaces isoleucine 77 with threonine.
Molecular consequence: missense variant.
Genome position (GRCh38, 1-based): chr3:39,408,702, T>C. VCF-style: chr3-39408702-T-C. GRCh37 (hg19) VCF-style: chr3-39450193-T-C.
Other names: c.230T>C, p.Ile77Thr (NM_001304288.2); short protein forms I77T.
Identifiers: ClinVar variation 1437826 (VCV001437826.6), dbSNP rs893556660, ClinGen allele CA73044417.

ClinVar aggregate classification (germline): Uncertain significance (1 of 4 stars; one submission).

Allele frequency attached by ClinVar (database versions not stated): gnomAD exomes 0.00001; gnomAD 0.00002; TOPMed 0.00003.
gnomAD v4.1: 22 of 1,597,858 alleles (0.0014%); highest among the groups gnomAD compares: African/African-American, 0.0067%; no homozygotes.

Submission:

Labcorp Genetics (formerly Invitae), Labcorp
Classification: Uncertain significance. Last evaluated: 2025-06-05. Review status: criteria provided, single submitter. Criteria: Invitae Variant Classification Sherloc (09022015). Collection method: clinical testing. Allele origin: germline.
Comment: This sequence change replaces isoleucine, which is neutral and non-polar, with threonine, which is neutral and polar, at codon 77 of the RPSA protein (p.Ile77Thr). This variant is present in population databases (no rsID available, gnomAD 0.01%). This variant has not been reported in the literature in individuals affected with RPSA-related conditions. ClinVar contains an entry for this variant (Variation ID: 1437826). Invitae Evidence Modeling of protein sequence and biophysical properties (such as structural, functional, and spatial information, amino acid conservation, physicochemical variation, residue mobility, and thermodynamic stability) indicates that this missense variant is not expected to disrupt RPSA protein function with a negative predictive value of 80%. In summary, the available evidence is currently insufficient to determine the role of this variant in disease. Therefore, it has been classified as a Variant of Uncertain Significance.